The following is an entry in ClinVar:

ClinVar aggregate classification (germline): Benign/Likely benign. Review status: criteria provided, multiple submitters, no conflicts (2 of 4 stars). 3 submissions from 3 submitters: Benign (1); Likely benign (2). Last evaluated 2025-11-24.

Conditions:
Episodic ataxia type 6. Identifiers: Orphanet 209967, MedGen C2675211, MONDO:0012982, OMIM 612656.

Allele frequency attached by ClinVar (database versions not stated): gnomAD exomes 0.00002 and 0.00005; ExAC 0.00003; 1000 Genomes Project 30x 0.00016; 1000 Genomes Project 0.00020; ESP Exome Variant Server 0.00023; gnomAD 0.00023; TOPMed 0.00026.
gnomAD v4.1: 70 of 1,613,048 alleles (0.0043%); highest among the groups gnomAD compares: African/African-American, 0.08%; no homozygotes.

Submissions (3):

Labcorp Genetics (formerly Invitae), Labcorp
Classification: Likely benign. Last evaluated: 2025-11-24. Review status: criteria provided, single submitter. Criteria: Invitae Variant Classification Sherloc (09022015). Collection method: clinical testing. Allele origin: germline.

Blueprint Genetics
Classification: Likely benign. Last evaluated: 2024-10-09. Review status: criteria provided, single submitter. Criteria: ACMG Guidelines, 2015. Collection method: clinical testing. Allele origin: germline.

Illumina Laboratory Services, Illumina
Classification: Benign for Episodic ataxia type 6. Last evaluated: 2018-01-13. Review status: criteria provided, single submitter. Criteria: ICSL Variant Classification Criteria 13 December 2019. Collection method: clinical testing. Allele origin: germline.
Comment: This variant was observed in the ICSL laboratory as part of a predisposition screen in an ostensibly healthy population. It had not been previously curated by ICSL or reported in the Human Gene Mutation Database (HGMD: prior to June 1st, 2018), and was therefore a candidate for classification through an automated scoring system. Utilizing variant allele frequency, disease prevalence and penetrance estimates, and inheritance mode, an automated score was calculated to assess if this variant is too frequent to cause the disease. Based on the score and internal cut-off values, a variant classified as benign is not then subjected to further curation. The score for this variant resulted in a classification of benign for this disease.

NM_004172.5(SLC1A3):c.231A>G (p.Glu77=)

Gene: SLC1A3 (solute carrier family 1 member 3; plus strand). Cytogenetic location: 5p13.2.
Variant type: single nucleotide variant.
Coding change: c.231A>G on transcript NM_004172.5 (MANE Select); coding-DNA position 231, A replaced by G.
Protein change: p.Glu77=; no amino-acid change (glutamic acid 77 retained).
Molecular consequence: synonymous variant. On other transcripts: intron variant (1).
Genome position (GRCh38, 1-based): chr5:36,629,499, A>G. VCF-style: chr5-36629499-A-G. GRCh37 (hg19) VCF-style: chr5-36629601-A-G.
Other names: c.231A>G, p.Glu77= (NM_001166695.3, NM_001289940.2); c.181+20895A>G (NM_001289939.2).
Identifiers: ClinVar variation 746762 (VCV000746762.13), dbSNP rs141828644, ClinGen allele CA3235400.